The following is an entry in ClinVar:

NM_002458.3(MUC5B):c.7260C>G (p.Thr2420=)

Genes: MUC5B (mucin 5B, oligomeric mucus/gel-forming; plus strand), MUC5B-AS1 (MUC5B antisense RNA 1; minus strand). Cytogenetic location: 11p15.5.
Variant type: single nucleotide variant.
Coding change: c.7260C>G on transcript NM_002458.3 (MANE Select); coding-DNA position 7260, C replaced by G.
Protein change: p.Thr2420=; no amino-acid change (threonine 2420 retained).
Molecular consequence: synonymous variant.
Genome position (GRCh38, 1-based): chr11:1,244,140, C>G. VCF-style: chr11-1244140-C-G. GRCh37 (hg19) VCF-style: chr11-1265370-C-G.
Identifiers: ClinVar variation 4873104 (VCV004873104.2).

ClinVar aggregate classification (germline): Likely benign (1 of 4 stars; one submission).

gnomAD v4.1: 28 of 1,612,984 alleles (0.0017%); highest among the groups gnomAD compares: Non-Finnish European, 0.0024%; no homozygotes.

Submission:

CeGaT Center for Human Genetics Tuebingen
Classification: Likely benign. Last evaluated: 2026-04-01. Review status: criteria provided, single submitter. Criteria: CeGaT Center For Human Genetics Tuebingen Variant Classification Criteria Version 2. Collection method: clinical testing. Allele origin: germline. Affected: yes. Observed: 1 variant allele.
Comment: MUC5B: BP4, BP7